The following is an entry in ClinVar:

NM_001244008.2(KIF1A):c.-13G>A

Gene: KIF1A (kinesin family member 1A; minus strand). Cytogenetic location: 2q37.3.
Variant type: single nucleotide variant.
Coding change: c.-13G>A on transcript NM_001244008.2 (MANE Select); 13 bases upstream of the start codon, G replaced by A.
Molecular consequence: 5 prime UTR variant.
Genome position (GRCh38, 1-based): chr2:240,797,765, C>T on the plus strand (G>A on the coding strand, the complement: KIF1A is on the minus strand). VCF-style: chr2-240797765-C-T. GRCh37 (hg19) VCF-style: chr2-241737182-C-T.
Other names: c.-13G>A (NM_001320705.2, NM_001330289.2, NM_001330290.2 and 20 more transcripts).
Identifiers: ClinVar variation 335288 (VCV000335288.6), dbSNP rs140017120, ClinGen allele CA2208928.

ClinVar aggregate classification (germline): Likely benign. Review status: criteria provided, multiple submitters, no conflicts (2 of 4 stars). 3 submissions from 3 submitters: Likely benign (3). Last evaluated 2024-10-02.

Conditions:
Hereditary spastic paraplegia 30. Identifiers: Orphanet 101010, MedGen C5235139, MONDO:0012476.

Allele frequency attached by ClinVar (database versions not stated): gnomAD exomes 0.00110; ExAC 0.00140; ESP Exome Variant Server 0.00330; TOPMed 0.00356; gnomAD 0.00401; 1000 Genomes Project 0.00479; 1000 Genomes Project 30x 0.00484.
gnomAD v4.1: 1,225 of 1,578,810 alleles (0.078%); highest among the groups gnomAD compares: African/African-American, 1.2%; 6 homozygotes.

Submissions (3):

Blueprint Genetics
Classification: Likely benign. Last evaluated: 2024-10-02. Review status: criteria provided, single submitter. Criteria: ACMG Guidelines, 2015. Collection method: clinical testing. Allele origin: germline.

Illumina Laboratory Services, Illumina
Classification: Likely benign for Spastic paraplegia 30A, autosomal dominant. Last evaluated: 2018-01-13. Review status: criteria provided, single submitter. Criteria: ICSL Variant Classification Criteria 13 December 2019. Collection method: clinical testing. Allele origin: germline.
Comment: This variant was observed in the ICSL laboratory as part of a predisposition screen in an ostensibly healthy population. It had not been previously curated by ICSL or reported in the Human Gene Mutation Database (HGMD: prior to June 1st, 2018), and was therefore a candidate for classification through an automated scoring system. Utilizing variant allele frequency, disease prevalence and penetrance estimates, and inheritance mode, an automated score was calculated to assess if this variant is too frequent to cause the disease. Based on the score and internal cut-off values, a variant classified as likely benign is not then subjected to further curation. The score for this variant resulted in a classification of likely benign for this disease.

GeneDx
Classification: Likely benign. Last evaluated: 2017-09-28. Review status: criteria provided, single submitter. Criteria: GeneDx Variant Classification (06012015). Collection method: clinical testing. Allele origin: germline. Affected: yes.
Comment: This variant is considered likely benign or benign based on one or more of the following criteria: it is a conservative change, it occurs at a poorly conserved position in the protein, it is predicted to be benign by multiple in silico algorithms, and/or has population frequency not consistent with disease.